The following is an entry in ClinVar:

ClinVar aggregate classification (germline): Benign. Review status: criteria provided, multiple submitters, no conflicts (2 of 4 stars). 3 submissions from 3 submitters: Benign (2). 1 of the submissions does not count toward it. Last evaluated 2018-06-26.

Allele frequency attached by ClinVar (database versions not stated): 1000 Genomes Project 30x 0.17161; gnomAD 0.20594 and 0.20357; 1000 Genomes Project 0.17372; gnomAD exomes 0.24696; TOPMed 0.18720.
gnomAD v4.1: 314,768 of 1,304,916 alleles (24%); highest among the groups gnomAD compares: Non-Finnish European, 25%; 40,201 homozygotes.

Submissions (3):

GeneDx
Classification: Benign. Last evaluated: 2018-06-26. Review status: criteria provided, single submitter. Criteria: GeneDx Variant Classification Process June 2021. Collection method: clinical testing. Allele origin: germline. Affected: yes.

Breakthrough Genomics
Classification: Benign. Review status: criteria provided, single submitter. Criteria: ACMG Guidelines, 2015. Collection method: not provided. Allele origin: germline. Inheritance: Autosomal dominant inheritance. Affected: yes.

TNNI2 homepage - Leiden Muscular Dystrophy pages
No classification provided. Review status: no classification provided. Collection method: not provided. Allele origin: germline. Not counted in ClinVar's aggregate classification.
Comment: no known functional consequence

NM_003282.4(TNNI2):c.15+140C>A

Gene: TNNI2 (troponin I2, fast skeletal type; plus strand). Cytogenetic location: 11p15.5.
Variant type: single nucleotide variant.
Coding change: c.15+140C>A on transcript NM_003282.4 (MANE Select); 140 bases into the intron after coding-DNA position 15, C replaced by A.
Molecular consequence: intron variant.
Genome position (GRCh38, 1-based): chr11:1,839,995, C>A. VCF-style: chr11-1839995-C-A. GRCh37 (hg19) VCF-style: chr11-1861225-C-A.
Other names: c.15+140C>A (NM_001145829.2).
Identifiers: ClinVar variation 140481 (VCV000140481.4), dbSNP rs1877444, ClinGen allele CA232618.